The following is an entry in ClinVar:

ClinVar aggregate classification (germline): Conflicting classifications of pathogenicity. Review status: criteria provided, conflicting classifications (1 of 4 stars). 3 submissions from 3 submitters: Uncertain significance (1); Likely benign (2). Last evaluated 2026-01-20.

Conditions:
Hereditary breast ovarian cancer syndrome. Also called: Hereditary breast and ovarian cancer syndrome; BRCA1- and BRCA2-Associated Hereditary Breast and Ovarian Cancer; Breast and ovarian cancer; Hereditary breast and/or ovarian cancer syndrome; Hereditary breast and ovarian cancer syndrome (HBOC); Hereditary breast and ovarian cancer. Identifiers: Orphanet 145, MedGen C0677776, MeSH D061325, MONDO:0003582. Disease mechanism: loss of function.
Hereditary cancer-predisposing syndrome. Also called: Hereditary neoplastic syndrome; Hereditary Cancer Syndrome; Neoplastic Syndromes, Hereditary; Tumor predisposition. Identifiers: Orphanet 140162, MedGen C0027672, MeSH D009386, MONDO:0015356.

gnomAD v4.1: 1 of 1,607,954 alleles (0.000062%); highest among the groups gnomAD compares: Non-Finnish European, 0.000085%; no homozygotes.

Submissions (3):

Labcorp Genetics (formerly Invitae), Labcorp
Classification: Uncertain significance for Hereditary breast ovarian cancer syndrome. Last evaluated: 2026-01-20. Review status: criteria provided, single submitter. Criteria: Invitae Variant Classification Sherloc (09022015). Collection method: clinical testing. Allele origin: germline.
Comment: This sequence change replaces histidine, which is basic and polar, with aspartic acid, which is acidic and polar, at codon 523 of the BRCA2 protein (p.His523Asp). This variant is not present in population databases (gnomAD no frequency). This missense change has been observed in individual(s) with breast cancer (PMID: 27616075). ClinVar contains an entry for this variant (Variation ID: 1407497). Invitae Evidence Modeling of protein sequence and biophysical properties (such as structural, functional, and spatial information, amino acid conservation, physicochemical variation, residue mobility, and thermodynamic stability) indicates that this missense variant is not expected to disrupt BRCA2 protein function with a negative predictive value of 95%. In summary, the available evidence is currently insufficient to determine the role of this variant in disease. Therefore, it has been classified as a Variant of Uncertain Significance.

Ambry Genetics
Classification: Likely benign for Hereditary cancer-predisposing syndrome. Last evaluated: 2024-12-09. Review status: criteria provided, single submitter. Criteria: Ambry Variant Classification Scheme 2023. Collection method: clinical testing. Allele origin: germline.

University of Washington Department of Laboratory Medicine, University of Washington
Classification: Likely benign for Hereditary cancer-predisposing syndrome. Last evaluated: 2023-03-23. Review status: criteria provided, single submitter. Criteria: Dines et al. (Genet Med. 2020). Collection method: curation. Allele origin: germline.
Comment: Missense variant in a coldspot region where missense variants are very unlikely to be pathogenic (PMID:31911673).

BRCA2 exon 10 coldspot. Reclassification based on statistical prior probability.

Literature cited by the submitters: PubMed 27616075 (cited by Labcorp Genetics (formerly Invitae), Labcorp and Ambry Genetics).

NM_000059.4(BRCA2):c.1567C>G (p.His523Asp)

Gene: BRCA2 (BRCA2 DNA repair associated; plus strand). Cytogenetic location: 13q13.1.
Variant type: single nucleotide variant.
Coding change: c.1567C>G on transcript NM_000059.4 (MANE Select); coding-DNA position 1567, C replaced by G.
Protein change: p.His523Asp; replaces histidine 523 with aspartic acid.
Molecular consequence: missense variant.
Genome position (GRCh38, 1-based): chr13:32,333,045, C>G. VCF-style: chr13-32333045-C-G. GRCh37 (hg19) VCF-style: chr13-32907182-C-G.
Other names: short protein forms H523D.
Identifiers: ClinVar variation 1407497 (VCV001407497.12), dbSNP rs2072416501, ClinGen allele CA387764717.